The following is an entry in ClinVar:

NM_003331.5(TYK2):c.1151C>G (p.Thr384Ser)

Gene: TYK2 (tyrosine kinase 2; minus strand). Cytogenetic location: 19p13.2.
Variant type: single nucleotide variant.
Coding change: c.1151C>G on transcript NM_003331.5 (MANE Select); coding-DNA position 1151, C replaced by G.
Protein change: p.Thr384Ser; replaces threonine 384 with serine.
Molecular consequence: missense variant. On other transcripts: intron variant (1).
Genome position (GRCh38, 1-based): chr19:10,364,909, G>C on the plus strand (C>G on the coding strand, the complement: TYK2 is on the minus strand). VCF-style: chr19-10364909-G-C. GRCh37 (hg19) VCF-style: chr19-10475585-G-C.
Other names: c.1151C>G, p.Thr384Ser (NM_001385197.1, NM_001385198.1, NM_001385199.1 and 6 more transcripts); c.1061C>G, p.Thr354Ser (NM_001385205.1); c.1012-138C>G (NM_001385201.1); short protein forms T354S, T384S.
Identifiers: ClinVar variation 1425006 (VCV001425006.8), dbSNP rs2145243198, ClinGen allele CA404014278.

ClinVar aggregate classification (germline): Uncertain significance (1 of 4 stars; one submission).

Conditions:
Immunodeficiency 35 (IMD35). Also called: TYK2 DEFICIENCY; Susceptibility to infection due to TYK2 deficiency; HIES WITH ATYPICAL MYCOBACTERIOSIS, AUTOSOMAL RECESSIVE; HYPER-IgE SYNDROME WITH ATYPICAL MYCOBACTERIOSIS, AUTOSOMAL RECESSIVE. Identifiers: Orphanet 331226, MedGen C1969086, MONDO:0012682, OMIM 611521.

Submission:

Labcorp Genetics (formerly Invitae), Labcorp
Classification: Uncertain significance for Immunodeficiency 35. Last evaluated: 2022-07-12. Review status: criteria provided, single submitter. Criteria: Invitae Variant Classification Sherloc (09022015). Collection method: clinical testing. Allele origin: germline.
Comment: This variant has not been reported in the literature in individuals affected with TYK2-related conditions. ClinVar contains an entry for this variant (Variation ID: 1425006). Algorithms developed to predict the effect of missense changes on protein structure and function output the following: SIFT: "Not Available"; PolyPhen-2: "Benign"; Align-GVGD: "Not Available". The serine amino acid residue is found in multiple mammalian species, which suggests that this missense change does not adversely affect protein function. In summary, the available evidence is currently insufficient to determine the role of this variant in disease. Therefore, it has been classified as a Variant of Uncertain Significance. This variant is not present in population databases (gnomAD no frequency). This sequence change replaces threonine, which is neutral and polar, with serine, which is neutral and polar, at codon 384 of the TYK2 protein (p.Thr384Ser).